The following is an entry in ClinVar:

NM_001256864.2(DNAJC6):c.673C>T (p.Arg225Trp)

Gene: DNAJC6 (DnaJ heat shock protein family (Hsp40) member C6; plus strand). Cytogenetic location: 1p31.3.
Variant type: single nucleotide variant.
Coding change: c.673C>T on transcript NM_001256864.2 (MANE Select); coding-DNA position 673, C replaced by T.
Protein change: p.Arg225Trp; replaces arginine 225 with tryptophan.
Molecular consequence: missense variant.
Genome position (GRCh38, 1-based): chr1:65,384,199, C>T. VCF-style: chr1-65384199-C-T. GRCh37 (hg19) VCF-style: chr1-65849882-C-T.
Other names: p.Arg225Trp; c.463C>T, p.Arg155Trp (NM_001256865.2); c.502C>T, p.Arg168Trp (NM_014787.4); short protein forms R155W, R168W, R225W.
Identifiers: ClinVar variation 2683718 (VCV002683718.1), dbSNP rs762184162, ClinGen allele CA893732.

ClinVar aggregate classification (germline): Uncertain significance (1 of 4 stars; one submission).

Allele frequency attached by ClinVar (database versions not stated): ExAC 0.00002; gnomAD exomes 0.00002; gnomAD 0.00003; TOPMed 0.00003.

Submission:

Mayo Clinic Laboratories, Mayo Clinic
Classification: Uncertain significance. Last evaluated: 2023-01-10. Review status: criteria provided, single submitter. Criteria: ACMG Guidelines, 2015. Collection method: clinical testing. Allele origin: germline. Observed: 1 variant allele.
Comment: PP3, PM2